The following is an entry in ClinVar:

NM_012472.6(DNAAF11):c.1226+1G>A

Gene: DNAAF11 (dynein axonemal assembly factor 11; minus strand). Cytogenetic location: 8q24.22.
Variant type: single nucleotide variant.
Coding change: c.1226+1G>A on transcript NM_012472.6 (MANE Select); the canonical splice donor site of the intron after coding-DNA position 1226, G replaced by A.
Molecular consequence: splice donor variant.
Genome position (GRCh38, 1-based): chr8:132,583,693, C>T on the plus strand (G>A on the coding strand, the complement: DNAAF11 is on the minus strand). VCF-style: chr8-132583693-C-T. GRCh37 (hg19) VCF-style: chr8-133595940-C-T.
Other names: c.980+1G>A (NM_001321962.2); c.1166+1G>A (NM_001321961.2); c.806+1G>A (NM_001321966.2); c.866+1G>A (NM_001321963.2, NM_001321964.2, NM_001321965.2).
Identifiers: ClinVar variation 860454 (VCV000860454.6), dbSNP rs1815572053, ClinGen allele CA372292114.

ClinVar aggregate classification (germline): Pathogenic (1 of 4 stars; one submission).

Conditions:
Primary ciliary dyskinesia 19. Also called: CILIARY DYSKINESIA, PRIMARY, 19, WITH OR WITHOUT SITUS INVERSUS. Identifiers: Orphanet 244, MedGen C3543826, MONDO:0013979, OMIM 614935.

Submission:

Labcorp Genetics (formerly Invitae), Labcorp
Classification: Pathogenic for Primary ciliary dyskinesia 19. Last evaluated: 2021-09-01. Review status: criteria provided, single submitter. Criteria: Invitae Variant Classification Sherloc (09022015). Collection method: clinical testing. Allele origin: germline.
Comment: This sequence change affects a donor splice site in intron 11 of the LRRC6 gene. While this variant is not anticipated to result in nonsense mediated decay, it likely alters RNA splicing and results in a disrupted protein product. This variant is not present in population databases (ExAC no frequency). Disruption of this splice site has been observed in individual(s) with clinical features of primary ciliary dyskinesia (PMID: 27637300; Invitae). In at least one individual the data is consistent with the variant being in trans (on the opposite chromosome) from a pathogenic variant. Variants that disrupt the consensus splice site are a relatively common cause of aberrant splicing (PMID: 17576681, 9536098). Algorithms developed to predict the effect of sequence changes on RNA splicing suggest that this variant may disrupt the consensus splice site. For these reasons, this variant has been classified as Pathogenic.

Literature cited by the submitters: PubMed 27637300; PubMed 17576681; PubMed 9536098.